The following is an entry in ClinVar:

NM_004656.4(BAP1):c.1968G>A (p.Lys656=)

Gene: BAP1 (BRCA1 associated deubiquitinase 1; minus strand). Cytogenetic location: 3p21.1.
Variant type: single nucleotide variant.
Coding change: c.1968G>A on transcript NM_004656.4 (MANE Select); coding-DNA position 1968, G replaced by A.
Protein change: p.Lys656=; no amino-acid change (lysine 656 retained).
Molecular consequence: synonymous variant.
Genome position (GRCh38, 1-based): chr3:52,402,794, C>T on the plus strand (G>A on the coding strand, the complement: BAP1 is on the minus strand). VCF-style: chr3-52402794-C-T. GRCh37 (hg19) VCF-style: chr3-52436810-C-T.
Identifiers: ClinVar variation 490827 (VCV000490827.21), dbSNP rs762396224, ClinGen allele CA2436650.

ClinVar aggregate classification (germline): Benign/Likely benign. Review status: criteria provided, multiple submitters, no conflicts (2 of 4 stars). 6 submissions from 6 submitters: Benign (1); Likely benign (4). 1 of the submissions does not count toward it. Last evaluated 2025-11-05.

Conditions:
BAP1-related tumor predisposition syndrome (TPDS1). Also called: Tumor susceptibility linked to germline BAP1 mutations; BAP1 tumor predisposition syndrome; COMMON Syndrome; TUMOR PREDISPOSITION SYNDROME 1. Identifiers: Orphanet 289539, MedGen C3280492, MONDO:0013692, OMIM 614327.
Hereditary cancer-predisposing syndrome. Also called: Hereditary Cancer Syndrome; Neoplastic Syndromes, Hereditary; Tumor predisposition; Hereditary neoplastic syndrome. Identifiers: Orphanet 140162, MedGen C0027672, MeSH D009386, MONDO:0015356.
BAP1-related disorder. Also called: BAP1-related condition.

Allele frequency attached by ClinVar (database versions not stated): gnomAD 0.00001; TOPMed 0.00001; gnomAD exomes 0.00002; ExAC 0.00004.
gnomAD v4.1: 28 of 1,614,138 alleles (0.0017%); highest among the groups gnomAD compares: Non-Finnish European, 0.0024%; no homozygotes.

Submissions (6):

Labcorp Genetics (formerly Invitae), Labcorp
Classification: Likely benign for BAP1-related tumor predisposition syndrome. Last evaluated: 2025-11-05. Review status: criteria provided, single submitter. Criteria: Invitae Variant Classification Sherloc (09022015). Collection method: clinical testing. Allele origin: germline.

Quest Diagnostics Nichols Institute San Juan Capistrano
Classification: Likely benign. Last evaluated: 2025-08-07. Review status: criteria provided, single submitter. Criteria: Quest Diagnostics criteria. Collection method: clinical testing. Allele origin: unknown.

Myriad Genetics, Inc.
Classification: Benign for BAP1-related tumor predisposition syndrome. Last evaluated: 2024-07-17. Review status: criteria provided, single submitter. Criteria: Myriad Autosomal Dominant, Autosomal Recessive and X-Linked Classification Criteria (2023). Collection method: clinical testing. Allele origin: unknown.
Comment: This variant is considered benign. This variant is a silent/synonymous amino acid change and it is not expected to impact splicing.

Ambry Genetics
Classification: Likely benign for Hereditary cancer-predisposing syndrome. Last evaluated: 2019-03-17. Review status: criteria provided, single submitter. Criteria: Ambry Variant Classification Scheme 2023. Collection method: clinical testing. Allele origin: germline.

Color Diagnostics, LLC DBA Color Health
Classification: Likely benign for Hereditary cancer-predisposing syndrome. Last evaluated: 2017-07-19. Review status: criteria provided, single submitter. Criteria: ACMG Guidelines, 2015. Collection method: clinical testing. Allele origin: germline.

PreventionGenetics, part of Exact Sciences
Classification: Likely benign for BAP1-related condition. Last evaluated: 2022-04-05. Review status: no assertion criteria provided. Collection method: clinical testing. Allele origin: germline. Not counted in ClinVar's aggregate classification.
Comment: This variant is classified as likely benign based on ACMG/AMP sequence variant interpretation guidelines (Richards et al. 2015 PMID: 25741868, with internal and published modifications).